The following is an entry in ClinVar:

ClinVar aggregate classification (germline): Uncertain significance (1 of 4 stars; one submission).

Submission:

GeneDx
Classification: Uncertain significance. Last evaluated: 2024-12-09. Review status: criteria provided, single submitter. Criteria: GeneDx Variant Classification Process June 2021. Collection method: clinical testing. Allele origin: germline. Affected: yes.
Comment: Not observed at significant frequency in large population cohorts (gnomAD); In silico analysis supports that this missense variant has a deleterious effect on protein structure/function; Has not been previously published as pathogenic or benign to our knowledge

NM_001330574.2(ZNF711):c.2082G>T (p.Gln694His)

Gene: ZNF711 (zinc finger protein 711; plus strand). Cytogenetic location: Xq21.1.
Variant type: single nucleotide variant.
Coding change: c.2082G>T on transcript NM_001330574.2 (MANE Select); coding-DNA position 2082, G replaced by T.
Protein change: p.Gln694His; replaces glutamine 694 with histidine.
Molecular consequence: missense variant.
Genome position (GRCh38, 1-based): chrX:85,271,486, G>T. VCF-style: chrX-85271486-G-T. GRCh37 (hg19) VCF-style: chrX-84526492-G-T.
Other names: c.2082G>T, p.Gln694His (NM_001375431.1, NM_001375432.1, NM_001375433.1); c.1944G>T, p.Gln648His (NM_001375434.1, NM_001375435.1, NM_001375436.1 and 2 more transcripts); short protein forms Q648H, Q694H.
Identifiers: ClinVar variation 3901419 (VCV003901419.1).